The following is an entry in ClinVar:

NM_021072.4(HCN1):c.494C>T (p.Thr165Ile)

Gene: HCN1 (hyperpolarization activated cyclic nucleotide gated potassium channel 1; minus strand). Cytogenetic location: 5p12.
Variant type: single nucleotide variant.
Coding change: c.494C>T on transcript NM_021072.4 (MANE Select); coding-DNA position 494, C replaced by T.
Protein change: p.Thr165Ile; replaces threonine 165 with isoleucine.
Molecular consequence: missense variant.
Genome position (GRCh38, 1-based): chr5:45,645,540, G>A on the plus strand (C>T on the coding strand, the complement: HCN1 is on the minus strand). VCF-style: chr5-45645540-G-A. GRCh37 (hg19) VCF-style: chr5-45645642-G-A.
Other names: short protein forms T165I.
Identifiers: ClinVar variation 4854786 (VCV004854786.1).

ClinVar aggregate classification (germline): Uncertain significance (1 of 4 stars; one submission).

Conditions:
Generalized epilepsy with febrile seizures plus, type 10. Also called: GEFS+, TYPE 10. Identifiers: MedGen C5193120, MONDO:0032777, OMIM 618482.

Submission:

3billion
Classification: Uncertain significance for Generalized epilepsy with febrile seizures plus, type 10. Last evaluated: 2025-11-14. Review status: criteria provided, single submitter. Criteria: ACMG Guidelines, 2015. Collection method: clinical testing. Allele origin: germline. Affected: yes.
Comment: The variant is not observed in the gnomAD v4.1.0 dataset. Predicted Consequence/Location: Missense variant. Missense changes are a common disease-causing mechanism. In silico tool predictions suggest damaging effect of the variant on gene or gene product [REVEL: 0.91 (>=0.6, sensitivity 0.68 and specificity 0.92); 3Cnet: 0.82 (> 0.75, sensitivity 0.96 and precision 0.92)]. Therefore, this variant is classified as VUS according to the recommendation of ACMG/AMP guideline.